The following is an entry in ClinVar:

NM_000492.4(CFTR):c.2517C>A (p.Ser839Arg)

Gene: CFTR (CF transmembrane conductance regulator; plus strand). Cytogenetic location: 7q31.2.
Variant type: single nucleotide variant.
Coding change: c.2517C>A on transcript NM_000492.4 (MANE Select); coding-DNA position 2517, C replaced by A.
Protein change: p.Ser839Arg; replaces serine 839 with arginine.
Molecular consequence: missense variant.
Genome position (GRCh38, 1-based): chr7:117,594,956, C>A. VCF-style: chr7-117594956-C-A. GRCh37 (hg19) VCF-style: chr7-117235010-C-A.
Other names: short protein forms S839R.
Identifiers: ClinVar variation 3266648 (VCV003266648.1).

ClinVar aggregate classification (germline): Uncertain significance (1 of 4 stars; one submission).

Conditions:
Cystic fibrosis (CF). Also called: MUCOVISCIDOSIS. Identifiers: Orphanet 586, MedGen C0010674, MONDO:0009061, OMIM 219700. Disease mechanism: loss of function.

Submission:

Ambry Genetics
Classification: Uncertain significance for Cystic fibrosis. Last evaluated: 2024-03-25. Review status: criteria provided, single submitter. Criteria: Ambry Variant Classification Scheme 2023. Collection method: clinical testing. Allele origin: germline.
Comment: The p.S839R variant (also known as c.2517C>A), located in coding exon 15 of the CFTR gene, results from a C to A substitution at nucleotide position 2517. The serine at codon 839 is replaced by arginine, an amino acid with dissimilar properties. This amino acid position is conserved. In addition, this alteration is predicted to be tolerated by in silico analysis. Based on the available evidence, the clinical significance of this alteration remains unclear.